The following is an entry in ClinVar:

NM_005557.4(KRT16):c.1373T>C (p.Ile458Thr)

Gene: KRT16 (keratin 16; minus strand). Cytogenetic location: 17q21.2.
Variant type: single nucleotide variant.
Coding change: c.1373T>C on transcript NM_005557.4 (MANE Select); coding-DNA position 1373, T replaced by C.
Protein change: p.Ile458Thr; replaces isoleucine 458 with threonine.
Molecular consequence: missense variant.
Genome position (GRCh38, 1-based): chr17:41,609,984, A>G on the plus strand (T>C on the coding strand, the complement: KRT16 is on the minus strand). VCF-style: chr17-41609984-A-G. GRCh37 (hg19) VCF-style: chr17-39766236-A-G.
Other names: short protein forms I458T.
Identifiers: ClinVar variation 1029979 (VCV001029979.4), dbSNP rs1458235002, ClinGen allele CA399489298.

ClinVar aggregate classification (germline): Uncertain significance. Review status: criteria provided, multiple submitters, no conflicts (2 of 4 stars). 2 submissions from 2 submitters: Uncertain significance (2). Last evaluated 2021-02-02.

Conditions:
Palmoplantar keratoderma, nonepidermolytic, focal 1 (FNEPPK1). Identifiers: MedGen C4552049, MONDO:0013073, OMIM 613000.

Allele frequency attached by ClinVar (database versions not stated): TOPMed below 0.00001; gnomAD 0.00001; gnomAD exomes 0.00001.

Submissions (2):

Revvity Omics, Revvity
Classification: Uncertain significance. Last evaluated: 2021-02-02. Review status: criteria provided, single submitter. Criteria: ACMG Guidelines, 2015. Collection method: clinical testing. Allele origin: germline.

Baylor Genetics
Classification: Uncertain significance for Palmoplantar keratoderma, nonepidermolytic, focal 1. Last evaluated: 2019-07-23. Review status: criteria provided, single submitter. Criteria: ACMG Guidelines, 2015. Collection method: clinical testing. Allele origin: unknown. Affected: yes.
Comment: This variant was determined to be of uncertain significance according to ACMG Guidelines, 2015 [PMID:25741868].